The following is an entry in ClinVar:

NM_000455.5(STK11):c.913C>T (p.Gln305Ter)

Gene: STK11 (serine/threonine kinase 11; plus strand). Cytogenetic location: 19p13.3.
Variant type: single nucleotide variant.
Coding change: c.913C>T on transcript NM_000455.5 (MANE Select); coding-DNA position 913, C replaced by T.
Protein change: p.Gln305Ter; replaces glutamine 305 with a stop codon.
Molecular consequence: nonsense.
Genome position (GRCh38, 1-based): chr19:1,221,999, C>T. VCF-style: chr19-1221999-C-T. GRCh37 (hg19) VCF-style: chr19-1221998-C-T.
Other names: short protein forms Q305*.
Identifiers: ClinVar variation 428781 (VCV000428781.15), dbSNP rs1131690945, ClinGen allele CA402951315.

ClinVar aggregate classification (germline): Pathogenic. Review status: criteria provided, multiple submitters, no conflicts (2 of 4 stars). 4 submissions from 4 submitters: Pathogenic (4). Last evaluated 2025-12-30.

Conditions:
Peutz-Jeghers syndrome (PJS). Also called: POLYPOSIS, HAMARTOMATOUS INTESTINAL; POLYPS-AND-SPOTS SYNDROME; Peutz-Jeghers polyposis; Periorificial lentiginosis syndrome. Identifiers: Orphanet 2869, MedGen C0031269, MeSH D010580, MONDO:0008280, OMIM 175200.
Hereditary cancer-predisposing syndrome. Also called: Neoplastic Syndromes, Hereditary; Tumor predisposition; Hereditary neoplastic syndrome; Hereditary Cancer Syndrome. Identifiers: Orphanet 140162, MedGen C0027672, MeSH D009386, MONDO:0015356.

Submissions (4):

Ambry Genetics
Classification: Pathogenic for Hereditary cancer-predisposing syndrome. Last evaluated: 2025-12-30. Review status: criteria provided, single submitter. Criteria: Ambry Variant Classification Scheme 2023. Collection method: clinical testing. Allele origin: germline.
Comment: The p.Q305* pathogenic mutation (also known as c.913C>T), located in coding exon 7 of the STK11 gene, results from a C to T substitution at nucleotide position 913. This changes the amino acid from a glutamine to a stop codon within coding exon 7. This variant was reported in individual(s) with features consistent with Peutz-Jeghers syndrome (Ambry internal data). This variant is considered to be rare based on population cohorts in the Genome Aggregation Database (gnomAD). This alteration is expected to result in loss of function by premature protein truncation or nonsense-mediated mRNA decay. As such, this alteration is interpreted as a disease-causing mutation.

Labcorp Genetics (formerly Invitae), Labcorp
Classification: Pathogenic for Peutz-Jeghers syndrome. Last evaluated: 2023-11-02. Review status: criteria provided, single submitter. Criteria: Invitae Variant Classification Sherloc (09022015). Collection method: clinical testing. Allele origin: germline.
Comment: This sequence change creates a premature translational stop signal (p.Gln305*) in the STK11 gene. It is expected to result in an absent or disrupted protein product. Loss-of-function variants in STK11 are known to be pathogenic (PMID: 15188174, 16287113). This variant is not present in population databases (gnomAD no frequency). This variant has not been reported in the literature in individuals affected with STK11-related conditions. ClinVar contains an entry for this variant (Variation ID: 428781). For these reasons, this variant has been classified as Pathogenic.

Genome-Nilou Lab
Classification: Pathogenic for Peutz-Jeghers syndrome. Last evaluated: 2021-07-15. Review status: criteria provided, single submitter. Criteria: ACMG Guidelines, 2015. Collection method: clinical testing. Allele origin: germline. Affected: no.

GeneDx
Classification: Pathogenic. Last evaluated: 2020-01-13. Review status: criteria provided, single submitter. Criteria: GeneDx Variant Classification Process June 2021. Collection method: clinical testing. Allele origin: germline. Affected: yes.
Comment: Nonsense variant predicted to result in protein truncation or nonsense mediated decay in a gene for which loss-of-function is a known mechanism of disease; Not observed in large population cohorts (Lek 2016); Observed in individuals who underwent multigene cancer panel testing (LaDuca 2017); This variant is associated with the following publications: (PMID: 28152038)

Literature cited by the submitters: PubMed 15188174 (cited by Labcorp Genetics (formerly Invitae), Labcorp); PubMed 16287113 (cited by Labcorp Genetics (formerly Invitae), Labcorp).